The following is an entry in ClinVar:

ClinVar aggregate classification (germline): Pathogenic. Review status: reviewed by expert panel (3 of 4 stars). 4 submissions from 4 submitters: Pathogenic (1). 3 of the submissions do not count toward it. Last evaluated 2017-12-15.

Conditions:
Breast-ovarian cancer, familial, susceptibility to, 1 (BROVCA1). Also called: BRCA1 Hereditary Breast and Ovarian Cancer; OVARIAN CANCER, SUSCEPTIBILITY TO. Identifiers: Orphanet 145, MedGen C2676676, MONDO:0011450, OMIM 604370. Disease mechanism: loss of function.

Submissions (4):

Evidence-based Network for the Interpretation of Germline Mutant Alleles (ENIGMA)
Classification: Pathogenic for Breast-ovarian cancer, familial, susceptibility to, 1. Last evaluated: 2017-12-15. Review status: reviewed by expert panel. Criteria: ENIGMA BRCA1/2 Classification Criteria (2017-06-29). Collection method: curation. Allele origin: germline. Study: ENIGMA.
Comment: Variant allele predicted to encode a truncated non-functional protein.

Institute of Immunology and Genetics Kaiserslautern
Classification: Pathogenic for Breast-ovarian cancer, familial, susceptibility to, 1. Last evaluated: 2025-07-31. Review status: criteria provided, single submitter. Criteria: ACMG Guidelines, 2015. Collection method: clinical testing. Allele origin: germline. Affected: yes. Not counted in ClinVar's aggregate classification.
Comment: ACMG Criteria: PVS1, PS4, PM2, PP4, PP5_M.

Quest Diagnostics Nichols Institute San Juan Capistrano
Classification: Likely pathogenic. Last evaluated: 2018-11-02. Review status: criteria provided, single submitter. Criteria: Quest Diagnostics criteria. Collection method: clinical testing. Allele origin: germline. Not counted in ClinVar's aggregate classification.
Comment: The variant results in a shift of the reading frame, and is therefore predicted to significantly disrupt the protein structure. Not found in the total gnomAD dataset, and the data is high quality (0/282236 chr).

Molecular Genetics Laboratory, University of Michigan
Classification: Pathogenic for Breast-ovarian cancer, familial, susceptibility to, 1. Last evaluated: 2014-11-03. Review status: criteria provided, single submitter. Criteria: ACMG Guidelines, 2015. Collection method: clinical testing. Allele origin: germline. Affected: yes. Not counted in ClinVar's aggregate classification.

NM_007294.4(BRCA1):c.1600del (p.Gln534fs)

Gene: BRCA1 (BRCA1 DNA repair associated; minus strand). Cytogenetic location: 17q21.31.
Variant type: Deletion.
Coding change: c.1600del on transcript NM_007294.4 (MANE Select); coding-DNA position 1600, one base deleted (C; older notation c.1600delC).
Protein change: p.Gln534fs; shifts the reading frame from glutamine 534.
Molecular consequence: frameshift variant. On other transcripts: intron variant (137).
Genome position (GRCh38, 1-based): chr17:43,093,931, G deleted on the plus strand (C on the coding strand, the reverse complement: BRCA1 is on the minus strand). VCF-style (leftmost placement, unchanged base first): chr17-43093930-TG-T. GRCh37 (hg19) VCF-style: chr17-41245947-TG-T.
Other names: c.1459del, p.Gln487fs (NM_001407752.1, NM_001407850.1, NM_001407851.1 and 29 more transcripts); c.1456del, p.Gln486fs (NM_001407838.1, NM_001407839.1, NM_001407841.1 and 20 more transcripts); c.1387del, p.Gln463fs (NM_001407853.1, NM_001407894.1, NM_001407895.1 and 9 more transcripts); c.1600del, p.Gln534fs (NM_001407854.1, NM_001407858.1, NM_001407859.1 and 30 more transcripts); c.1597del, p.Gln533fs (NM_001407860.1, NM_001407861.1, NM_001407587.1 and 22 more transcripts); c.1399del, p.Gln467fs (NM_001407862.1); c.1477del, p.Gln493fs (NM_001407863.1, NM_001407919.1, NM_001407937.1 and 19 more transcripts); c.1396del, p.Gln466fs (NM_001407874.1, NM_001407875.1); and 41 more; short protein forms Q487fs, Q534fs, Q422fs, Q466fs, Q467fs, Q423fs, Q507fs, Q531fs.
Identifiers: ClinVar variation 225707 (VCV000225707.7), dbSNP rs869320776, ClinGen allele CA10576086.